The following is an entry in ClinVar:

NM_001079.4(ZAP70):c.979G>A (p.Asp327Asn)

Gene: ZAP70 (zeta chain of T cell receptor associated protein kinase 70; plus strand). Cytogenetic location: 2q11.2.
Variant type: single nucleotide variant.
Coding change: c.979G>A on transcript NM_001079.4 (MANE Select); coding-DNA position 979, G replaced by A.
Protein change: p.Asp327Asn; replaces aspartic acid 327 with asparagine.
Molecular consequence: missense variant.
Genome position (GRCh38, 1-based): chr2:97,734,609, G>A. VCF-style: chr2-97734609-G-A. GRCh37 (hg19) VCF-style: chr2-98351072-G-A.
Other names: c.979G>A, p.Asp327Asn (NM_001378594.1); c.58G>A, p.Asp20Asn (NM_207519.2); short protein forms D20N, D327N.
Identifiers: ClinVar variation 1002617 (VCV001002617.9), dbSNP rs1376561896, ClinGen allele CA347800443.

ClinVar aggregate classification (germline): Uncertain significance (1 of 4 stars; one submission).

Conditions:
Combined immunodeficiency due to ZAP70 deficiency (IMD48). Also called: Immunodeficiency 48; ZAP70 Deficiency. Identifiers: Orphanet 911, MedGen C2931299, MONDO:0010023, OMIM 269840.

Allele frequency attached by ClinVar (database versions not stated): TOPMed below 0.00001; gnomAD 0.00001.
gnomAD v4.1: 1 of 1,614,118 alleles (0.000062%); highest among the groups gnomAD compares: Non-Finnish European, 0.000085%; no homozygotes.

Submission:

Labcorp Genetics (formerly Invitae), Labcorp
Classification: Uncertain significance for Combined immunodeficiency due to ZAP70 deficiency. Last evaluated: 2022-09-01. Review status: criteria provided, single submitter. Criteria: Invitae Variant Classification Sherloc (09022015). Collection method: clinical testing. Allele origin: germline.
Comment: ClinVar contains an entry for this variant (Variation ID: 1002617). Algorithms developed to predict the effect of missense changes on protein structure and function output the following: SIFT: "Not Available"; PolyPhen-2: "Benign"; Align-GVGD: "Not Available". The asparagine amino acid residue is found in multiple mammalian species, which suggests that this missense change does not adversely affect protein function. In summary, the available evidence is currently insufficient to determine the role of this variant in disease. Therefore, it has been classified as a Variant of Uncertain Significance. This variant has not been reported in the literature in individuals affected with ZAP70-related conditions. This sequence change replaces aspartic acid, which is acidic and polar, with asparagine, which is neutral and polar, at codon 327 of the ZAP70 protein (p.Asp327Asn). This variant is not present in population databases (gnomAD no frequency).